The following is an entry in ClinVar:

ClinVar aggregate classification (germline): Likely pathogenic (1 of 4 stars; one submission).

Conditions:
Chuvash polycythemia. Also called: POLYCYTHEMIA, VHL-DEPENDENT. Identifiers: Orphanet 238557, MedGen C1837915, MONDO:0009892, OMIM 263400.
Von Hippel-Lindau syndrome (VHLS). Also called: VHL syndrome; von Hippel–Lindau syndrome; Von Hippel-Lindau. Identifiers: Orphanet 892, MedGen C0019562, MONDO:0008667, OMIM 193300. Disease mechanism: loss of function.

Submission:

Labcorp Genetics (formerly Invitae), Labcorp
Classification: Likely pathogenic for Von Hippel-Lindau syndrome; Chuvash polycythemia. Last evaluated: 2024-08-19. Review status: criteria provided, single submitter. Criteria: Invitae Variant Classification Sherloc (09022015). Collection method: clinical testing. Allele origin: germline.
Comment: This sequence change replaces arginine, which is basic and polar, with proline, which is neutral and non-polar, at codon 200 of the VHL protein (p.Arg200Pro). This variant is not present in population databases (gnomAD no frequency). This variant has not been reported in the literature in individuals affected with VHL-related conditions. Invitae Evidence Modeling of protein sequence and biophysical properties (such as structural, functional, and spatial information, amino acid conservation, physicochemical variation, residue mobility, and thermodynamic stability) indicates that this missense variant is expected to disrupt VHL protein function with a positive predictive value of 95%. This variant disrupts the p.Arg200 amino acid residue in VHL. Other variant(s) that disrupt this residue have been determined to be pathogenic (PMID: 9058738, 11987242, 12415268, 19494350). This suggests that this residue is clinically significant, and that variants that disrupt this residue are likely to be disease-causing. In summary, the currently available evidence indicates that the variant is pathogenic, but additional data are needed to prove that conclusively. Therefore, this variant has been classified as Likely Pathogenic.

Literature cited by the submitters: PubMed 9058738; PubMed 11987242; PubMed 12415268; PubMed 19494350.

NM_000551.4(VHL):c.599G>C (p.Arg200Pro)

Genes: VHL (von Hippel-Lindau tumor suppressor; plus strand), LOC107303340 (3p25 von Hippel-Lindau tumor suppressor, E3 ubiquitin protein ligase Alu-mediated recombination region; plus strand). Cytogenetic location: 3p25.3.
Variant type: single nucleotide variant.
Coding change: c.599G>C on transcript NM_000551.4 (MANE Select); coding-DNA position 599, G replaced by C.
Protein change: p.Arg200Pro; replaces arginine 200 with proline.
Molecular consequence: missense variant. On other transcripts: 3 prime UTR variant (1), non-coding transcript variant (1).
Genome position (GRCh38, 1-based): chr3:10,149,922, G>C. VCF-style: chr3-10149922-G-C. GRCh37 (hg19) VCF-style: chr3-10191606-G-C.
Other names: c.*153G>C (NM_001354723.2); c.476G>C, p.Arg159Pro (NM_198156.3); short protein forms R159P, R200P.
Identifiers: ClinVar variation 3753902 (VCV003753902.2).
Genomic context (GRCh38, chr3:10,149,922, plus strand): 5'-TCGTCAGGTCGCTCTACGAAGATCTGGAAGACCACCCAAATGTGCAGAAAGACCTGGAGC[G>C]GCTGACACAGGAGCGCATTGCACATCAACGGATGGGAGATTGAAGATTTCTGTTGAAACT-3'
Protein context (NP_000542.1, residues 190-210): DHPNVQKDLE[Arg200Pro]LTQERIAHQR